The following is an entry in ClinVar:

ClinVar aggregate classification (germline): Uncertain significance. Review status: criteria provided, multiple submitters, no conflicts (2 of 4 stars). 3 submissions from 3 submitters: Uncertain significance (3). Last evaluated 2025-02-25.

Conditions:
Inborn genetic diseases. Identifiers: MedGen C0950123, MeSH D030342.
Brody myopathy. Also called: BRODY DISEASE. Identifiers: Orphanet 53347, MedGen C1832918, MONDO:0010977, OMIM 601003.

Allele frequency attached by ClinVar (database versions not stated): gnomAD exomes 0.00001 and 0.00002; ExAC 0.00003; gnomAD 0.00009 and 0.00010; TOPMed 0.00012.
gnomAD v4.1: 33 of 1,614,072 alleles (0.002%); highest among the groups gnomAD compares: African/African-American, 0.037%; no homozygotes.

Submissions (3):

Labcorp Genetics (formerly Invitae), Labcorp
Classification: Uncertain significance for Brody myopathy. Last evaluated: 2025-02-25. Review status: criteria provided, single submitter. Criteria: Invitae Variant Classification Sherloc (09022015). Collection method: clinical testing. Allele origin: germline.
Comment: This sequence change replaces valine, which is neutral and non-polar, with leucine, which is neutral and non-polar, at codon 514 of the ATP2A1 protein (p.Val514Leu). This variant is present in population databases (rs769174301, gnomAD 0.03%). This variant has not been reported in the literature in individuals affected with ATP2A1-related conditions. ClinVar contains an entry for this variant (Variation ID: 389426). An algorithm developed to predict the effect of missense changes on protein structure and function (PolyPhen-2) suggests that this variant is likely to be tolerated. In summary, the available evidence is currently insufficient to determine the role of this variant in disease. Therefore, it has been classified as a Variant of Uncertain Significance.

Ambry Genetics
Classification: Uncertain significance for Inborn genetic diseases. Last evaluated: 2024-12-24. Review status: criteria provided, single submitter. Criteria: Ambry Variant Classification Scheme 2023. Collection method: clinical testing. Allele origin: germline.

GeneDx
Classification: Uncertain significance. Last evaluated: 2016-10-05. Review status: criteria provided, single submitter. Criteria: GeneDx Variant Classification (06012015). Collection method: clinical testing. Allele origin: germline. Affected: yes.
Comment: The V514L variant has not been published as a pathogenic variant, nor has it been reported as a benign variant to our knowledge. It was not observed in approximately 6,500 individuals of European and African American ancestry in the NHLBI Exome Sequencing Project, indicating it is not a common benign variant in these populations. The V514L variant is a conservative amino acid substitution, which is not likely to impact secondary protein structure as these residues share similar properties. This substitution occurs at a position where amino acids with similar properties to Valine are tolerated across species. In silico analysis is inconsistent in its predictions as to whether or not the variant is damaging to the protein structure/function.

NM_004320.6(ATP2A1):c.1540G>C (p.Val514Leu)

Gene: ATP2A1 (ATPase sarcoplasmic/endoplasmic reticulum Ca2+ transporting 1; plus strand). Cytogenetic location: 16p11.2.
Variant type: single nucleotide variant.
Coding change: c.1540G>C on transcript NM_004320.6 (MANE Select); coding-DNA position 1540, G replaced by C.
Protein change: p.Val514Leu; replaces valine 514 with leucine.
Molecular consequence: missense variant.
Genome position (GRCh38, 1-based): chr16:28,898,120, G>C. VCF-style: chr16-28898120-G-C. GRCh37 (hg19) VCF-style: chr16-28909441-G-C.
Other names: c.1165G>C, p.Val389Leu (NM_001286075.2); c.1540G>C, p.Val514Leu (NM_173201.5); short protein forms V514L, V389L.
Identifiers: ClinVar variation 389426 (VCV000389426.12), dbSNP rs769174301, ClinGen allele CA7987001.